The following is an entry in ClinVar:

ClinVar aggregate classification (germline): Benign/Likely benign. Review status: criteria provided, multiple submitters, no conflicts (2 of 4 stars). 3 submissions from 3 submitters: Benign (1); Likely benign (2). Last evaluated 2019-12-31.

Conditions:
Hereditary factor X deficiency disease. Also called: STUART-PROWER FACTOR DEFICIENCY; Congenital factor X deficiency. Identifiers: Orphanet 328, MedGen C0272327, MONDO:0009212, OMIM 227600.

Allele frequency attached by ClinVar (database versions not stated): gnomAD exomes 0.00219 and 0.00496; ExAC 0.00628; gnomAD 0.01707 and 0.01840; TOPMed 0.01886; 1000 Genomes Project 0.01937; 1000 Genomes Project 30x 0.01968; ESP Exome Variant Server 0.02014.
gnomAD v4.1: 5,992 of 1,614,112 alleles (0.37%); highest among the groups gnomAD compares: African/African-American, 5.6%; 135 homozygotes.

Submissions (3):

Labcorp Genetics (formerly Invitae), Labcorp
Classification: Benign. Last evaluated: 2019-12-31. Review status: criteria provided, single submitter. Criteria: Invitae Variant Classification Sherloc (09022015). Collection method: clinical testing. Allele origin: germline.

Illumina Laboratory Services, Illumina
Classification: Likely benign for Hereditary factor X deficiency disease. Last evaluated: 2017-04-27. Review status: criteria provided, single submitter. Criteria: ICSL Variant Classification Criteria 13 December 2019. Collection method: clinical testing. Allele origin: germline.
Comment: This variant was observed as part of a predisposition screen in an ostensibly healthy population. A literature search was performed for the gene, cDNA change, and amino acid change (where applicable). No publications were found based on this search. Allele frequency data from public databases allowed determination this variant is unlikely to cause disease. Therefore, this variant is classified as likely benign.

Breakthrough Genomics
Classification: Likely benign. Review status: criteria provided, single submitter. Criteria: ACMG Guidelines, 2015. Collection method: not provided. Allele origin: germline. Inheritance: Autosomal recessive inheritance. Affected: yes.

NM_000504.4(F10):c.399C>T (p.Asn133=)

Gene: F10 (coagulation factor X; plus strand). Cytogenetic location: 13q34.
Variant type: single nucleotide variant.
Coding change: c.399C>T on transcript NM_000504.4 (MANE Select); coding-DNA position 399, C replaced by T.
Protein change: p.Asn133=; no amino-acid change (asparagine 133 retained).
Molecular consequence: synonymous variant. On other transcripts: intron variant (1).
Genome position (GRCh38, 1-based): chr13:113,140,947, C>T. VCF-style: chr13-113140947-C-T. GRCh37 (hg19) VCF-style: chr13-113795261-C-T.
Other names: c.399C>T (LRG_548t1); c.399C>T, p.Asn133= (NM_001312675.2); c.370+1477C>T (NM_001312674.2).
Identifiers: ClinVar variation 311274 (VCV000311274.10), dbSNP rs5962, ClinGen allele CA7060471.
Genomic context (GRCh38, chr13:113,140,947, plus strand): 5'-GTCCCCAGAGCCAACGTGCCTCTCCTTTGCAGTCACACGGAAGCTCTGCAGCCTGGACAA[C>T]GGGGACTGTGACCAGTTCTGCCACGAGGAACAGAACTCTGTGGTGTGCTCCTGCGCCCGC-3'
Protein context (NP_000495.1, residues 123-143): LFTRKLCSLD[Asn133=]GDCDQFCHEE